The following is an entry in ClinVar:

NM_000359.3(TGM1):c.1875_1876del (p.Ser625fs)

Gene: TGM1 (transglutaminase 1; minus strand). Cytogenetic location: 14q12.
Variant type: Deletion.
Coding change: c.1875_1876del on transcript NM_000359.3 (MANE Select); coding-DNA positions 1875 to 1876, 2 bases deleted (TG; older notation c.1875_1876delTG).
Protein change: p.Ser625fs; shifts the reading frame from serine 625.
Molecular consequence: frameshift variant.
Genome position (GRCh38, 1-based): chr14:24,255,023-24,255,024, CA deleted on the plus strand (TG on the coding strand, the reverse complement: TGM1 is on the minus strand); deleting any 2 consecutive bases within chr14:24,255,023-24,255,025 gives the same sequence; the c. name uses the placement nearest the transcript's 3' end. VCF-style (leftmost placement, unchanged base first): chr14-24255022-CCA-C. GRCh37 (hg19) VCF-style: chr14-24724228-CCA-C.
Other names: short protein forms S625fs.
Identifiers: ClinVar variation 5004319 (VCV005004319.1).

ClinVar aggregate classification (germline): Pathogenic (1 of 4 stars; one submission).

Conditions:
Autosomal recessive congenital ichthyosis 1 (LI1). Also called: COLLODION FETUS; DESQUAMATION OF NEWBORN; ICHTHYOSIS, CONGENITAL, AUTOSOMAL RECESSIVE 1, WITH BATHING SUIT DISTRIBUTION; ICHTHYOSIS CONGENITA; ICHTHYOSIS CONGENITA II; LAMELLAR EXFOLIATION OF NEWBORN. Identifiers: MedGen C4551630, MONDO:0009441, OMIM 242300.

Submission:

Myriad Genetics, Inc.
Classification: Pathogenic for Autosomal recessive congenital ichthyosis 1. Last evaluated: 2025-12-09. Review status: criteria provided, single submitter. Criteria: Myriad Autosomal Dominant, Autosomal Recessive and X-Linked Classification Criteria (2023). Collection method: clinical testing. Allele origin: unknown.
Comment: NM_000359.2(TGM1):c.1875_1876delTG(S625Rfs*83) is a frameshift variant classified as pathogenic in the context of TGM1-related autosomal recessive congenital ichthyosis. S625Rfs*83 has not been observed in cases with relevant disease. Relevant functional assessments of this variant are not available in the literature. S625Rfs*83 has not been observed in referenced population frequency databases. In summary, NM_000359.2(TGM1):c.1875_1876delTG(S625Rfs*83) is a frameshift variant in a gene where loss of function is a known mechanism of disease and is predicted to disrupt protein function. Please note: this variant was assessed in the context of healthy population screening.